The following is an entry in ClinVar:

NM_001267550.2(TTN):c.57560T>C (p.Val19187Ala)

Genes: TTN (titin; minus strand), TTN-AS1 (TTN antisense RNA 1; plus strand). Cytogenetic location: 2q31.2.
Variant type: single nucleotide variant.
Coding change: c.57560T>C on transcript NM_001267550.2 (MANE Select); coding-DNA position 57560, T replaced by C.
Protein change: p.Val19187Ala; replaces valine 19187 with alanine.
Molecular consequence: missense variant.
Genome position (GRCh38, 1-based): chr2:178,595,794, A>G on the plus strand (T>C on the coding strand, the complement: TTN is on the minus strand). VCF-style: chr2-178595794-A-G. GRCh37 (hg19) VCF-style: chr2-179460521-A-G.
Other names: c.52637T>C, p.Val17546Ala (NM_001256850.1); c.30365T>C, p.Val10122Ala (NM_003319.4); c.49856T>C, p.Val16619Ala (NM_133378.4); c.30740T>C, p.Val10247Ala (NM_133432.3); c.30941T>C, p.Val10314Ala (NM_133437.4); short protein forms V10122A, V10247A, V10314A, V16619A, V17546A, V19187A.
Identifiers: ClinVar variation 3895106 (VCV003895106.1).
Genomic context (GRCh38, chr2:178,595,794, plus strand): 5'-GAAAACCATGTCAGTTTGCAGGACTCATTGGTTAGGTTGTGAGCTAGGAATGGTGTTCCA[A>G]CGGGACCTGGAACATCTGGAAATAAGAAGAAAATAATTCAAGCTGTTTGCCTTCAATGAA-3'
Protein context (NP_001254479.2, residues 19177-19197): IVDVLDVPGP[Val19187Ala]GTPFLAHNLT

ClinVar aggregate classification (germline): Likely benign (1 of 4 stars; one submission).

gnomAD v4.1: 7 of 1,603,050 alleles (0.00044%); highest among the groups gnomAD compares: South Asian, 0.0023%; no homozygotes.

Submission:

Molecular Diagnostic Laboratory for Inherited Cardiovascular Disease, Montreal Heart Institute
Classification: Likely benign. Last evaluated: 2025-04-09. Review status: criteria provided, single submitter. Criteria: ACMG Guidelines, 2015. Collection method: clinical testing. Allele origin: germline. Affected: no.
Comment: BP1